The following is an entry in ClinVar:

NM_033004.4(NLRP1):c.2597C>G (p.Thr866Ser)

Gene: NLRP1 (NLR family pyrin domain containing 1; minus strand). Cytogenetic location: 17p13.2.
Variant type: single nucleotide variant.
Coding change: c.2597C>G on transcript NM_033004.4 (MANE Select); coding-DNA position 2597, C replaced by G.
Protein change: p.Thr866Ser; replaces threonine 866 with serine.
Molecular consequence: missense variant.
Genome position (GRCh38, 1-based): chr17:5,541,959, G>C on the plus strand (C>G on the coding strand, the complement: NLRP1 is on the minus strand). VCF-style: chr17-5541959-G-C. GRCh37 (hg19) VCF-style: chr17-5445279-G-C.
Other names: c.2597C>G, p.Thr866Ser (NM_001033053.3, NM_014922.5, NM_033006.4 and 1 more transcripts); short protein forms T866S.
Identifiers: ClinVar variation 1396407 (VCV001396407.6), dbSNP rs1876163844, ClinGen allele CA397379262.
Genomic context (GRCh38, chr17:5,541,959, plus strand): 5'-CAAAGGTGTTTGGCTCCAGCATCCGTGAGCACATTGAAGCTCAGGTCCAGCTCGGTCAGG[G>C]TCTGGTTGGCTCTCAGCCCAAAGGCAAGGTCCTTGCAGTCCTCAGCTGTGAGGCCACAGC-3'
Protein context (NP_127497.1, residues 856-876): DLAFGLRANQ[Thr866Ser]LTELDLSFNV

ClinVar aggregate classification (germline): Uncertain significance (1 of 4 stars; one submission).

Submission:

Labcorp Genetics (formerly Invitae), Labcorp
Classification: Uncertain significance. Last evaluated: 2025-12-01. Review status: criteria provided, single submitter. Criteria: Invitae Variant Classification Sherloc (09022015). Collection method: clinical testing. Allele origin: germline.
Comment: This sequence change replaces threonine, which is neutral and polar, with serine, which is neutral and polar, at codon 866 of the NLRP1 protein (p.Thr866Ser). This variant is not present in population databases (gnomAD no frequency). This variant has not been reported in the literature in individuals affected with NLRP1-related conditions. ClinVar contains an entry for this variant (Variation ID: 1396407). An algorithm developed to predict the effect of missense changes on protein structure and function outputs the following: PolyPhen-2: "Benign". The serine amino acid residue is found in multiple mammalian species, which suggests that this missense change does not adversely affect protein function. In summary, the available evidence is currently insufficient to determine the role of this variant in disease. Therefore, it has been classified as a Variant of Uncertain Significance.